The following is an entry in ClinVar:

ClinVar aggregate classification (germline): Uncertain significance (1 of 4 stars; one submission).

Conditions:
Candidiasis, familial, 9 (CANDF9). Identifiers: Orphanet 1334, MedGen C4225324, MONDO:0014642, OMIM 616445.

Allele frequency attached by ClinVar (database versions not stated): gnomAD exomes 0.00001.
gnomAD v4.1: 11 of 1,613,808 alleles (0.00068%); highest among the groups gnomAD compares: African/African-American, 0.0013%; no homozygotes.

Submission:

Labcorp Genetics (formerly Invitae), Labcorp
Classification: Uncertain significance for Candidiasis, familial, 9. Last evaluated: 2022-05-25. Review status: criteria provided, single submitter. Criteria: Invitae Variant Classification Sherloc (09022015). Collection method: clinical testing. Allele origin: germline.
Comment: In summary, the available evidence is currently insufficient to determine the role of this variant in disease. Therefore, it has been classified as a Variant of Uncertain Significance. Algorithms developed to predict the effect of missense changes on protein structure and function output the following: SIFT: "Deleterious"; PolyPhen-2: "Benign"; Align-GVGD: "Class C0". The histidine amino acid residue is found in multiple mammalian species, which suggests that this missense change does not adversely affect protein function. ClinVar contains an entry for this variant (Variation ID: 860246). This variant has not been reported in the literature in individuals affected with IL17RC-related conditions. This variant is present in population databases (rs200869244, gnomAD 0.002%). This sequence change replaces leucine, which is neutral and non-polar, with histidine, which is basic and polar, at codon 427 of the IL17RC protein (p.Leu427His).

NM_153460.4(IL17RC):c.1067T>A (p.Leu356His)

Gene: IL17RC (interleukin 17 receptor C; plus strand). Cytogenetic location: 3p25.3.
Variant type: single nucleotide variant.
Coding change: c.1067T>A on transcript NM_153460.4 (MANE Select); coding-DNA position 1067, T replaced by A.
Protein change: p.Leu356His; replaces leucine 356 with histidine.
Molecular consequence: missense variant. On other transcripts: non-coding transcript variant (1), intron variant (2).
Genome position (GRCh38, 1-based): chr3:9,928,587, T>A. VCF-style: chr3-9928587-T-A. GRCh37 (hg19) VCF-style: chr3-9970271-T-A.
Other names: c.1067T>A, p.Leu356His (NM_001203263.2); c.1028T>A, p.Leu343His (NM_001367278.1); c.947T>A, p.Leu316His (NM_001367279.1); c.1022T>A, p.Leu341His (NM_001367280.1, NM_032732.6); c.1280T>A, p.Leu427His (NM_153461.4); c.1059+101T>A (NM_001203264.2); c.1014+101T>A (NM_001203265.2); short protein forms L316H, L341H, L343H, L427H, L356H.
Identifiers: ClinVar variation 860246 (VCV000860246.6), dbSNP rs200869244, ClinGen allele CA70018959.